The following is an entry in ClinVar:

NM_004628.5(XPC):c.2074A>T (p.Lys692Ter)

Gene: XPC (XPC complex subunit, DNA damage recognition and repair factor; minus strand). Cytogenetic location: 3p25.1.
Variant type: single nucleotide variant.
Coding change: c.2074A>T on transcript NM_004628.5 (MANE Select); coding-DNA position 2074, A replaced by T.
Protein change: p.Lys692Ter; replaces lysine 692 with a stop codon.
Molecular consequence: nonsense. On other transcripts: non-coding transcript variant (2).
Genome position (GRCh38, 1-based): chr3:14,152,376, T>A on the plus strand (A>T on the coding strand, the complement: XPC is on the minus strand). VCF-style: chr3-14152376-T-A. GRCh37 (hg19) VCF-style: chr3-14193876-T-A.
Other names: c.1495A>T, p.Lys499Ter (NM_001354726.2); c.2068A>T, p.Lys690Ter (NM_001354727.2); c.2056A>T, p.Lys686Ter (NM_001354729.2); c.1828A>T, p.Lys610Ter (NM_001354730.2); short protein forms K692*, K686*, K499*, K610*, K690*.
Identifiers: ClinVar variation 496267 (VCV000496267.12), dbSNP rs374117852, ClinGen allele CA2267274.

ClinVar aggregate classification (germline): Pathogenic. Review status: criteria provided, multiple submitters, no conflicts (2 of 4 stars). 5 submissions from 5 submitters: Pathogenic (4). 1 of the submissions does not count toward it. Last evaluated 2026-03-12.

Conditions:
Xeroderma pigmentosum, group C (XPC). Also called: XPC-Related Xeroderma Pigmentosum; Xeroderma pigmentosum, complementation group C; XERODERMA PIGMENTOSUM III; XP, GROUP C. Identifiers: Orphanet 910, MedGen C2752147, MONDO:0010211, OMIM 278720.
Xeroderma pigmentosum (XP). Identifiers: Orphanet 910, MedGen C0043346, MONDO:0019600.

Allele frequency attached by ClinVar (database versions not stated): ExAC 0.00001; TOPMed 0.00002; gnomAD 0.00003 and 0.00004; ESP Exome Variant Server 0.00008.

Submissions (5):

GeneDx
Classification: Pathogenic. Last evaluated: 2026-03-12. Review status: criteria provided, single submitter. Criteria: GeneDx Variant Classification Process June 2021. Collection method: clinical testing. Allele origin: germline.
Comment: Nonsense variant predicted to result in protein truncation or nonsense mediated decay in a gene for which loss of function is a known mechanism of disease; This variant is associated with the following publications: (PMID: 25525159, 16081512, 24218596)

Labcorp Genetics (formerly Invitae), Labcorp
Classification: Pathogenic. Last evaluated: 2024-04-02. Review status: criteria provided, single submitter. Criteria: Invitae Variant Classification Sherloc (09022015). Collection method: clinical testing. Allele origin: germline.
Comment: This sequence change creates a premature translational stop signal (p.Lys692*) in the XPC gene. It is expected to result in an absent or disrupted protein product. Loss-of-function variants in XPC are known to be pathogenic (PMID: 23173980, 25256075). This variant is present in population databases (rs374117852, gnomAD 0.002%). This premature translational stop signal has been observed in individual(s) with xeroderma pigmentosum (PMID: 16081512). ClinVar contains an entry for this variant (Variation ID: 496267). For these reasons, this variant has been classified as Pathogenic.

Baylor Genetics
Classification: Pathogenic for Xeroderma pigmentosum, group C. Last evaluated: 2024-03-27. Review status: criteria provided, single submitter. Criteria: ACMG Guidelines, 2015. Collection method: clinical testing. Allele origin: unknown.

Women's Health and Genetics/Laboratory Corporation of America, LabCorp
Classification: Pathogenic for Xeroderma pigmentosum. Last evaluated: 2017-04-06. Review status: criteria provided, single submitter. Criteria: LabCorp Variant Classification Summary - May 2015. Collection method: clinical testing. Allele origin: germline.
Comment: Variant summary: The XPC c.2074A>T (p.Lys692*) variant results in a premature termination codon, predicted to cause a truncated or absent XPC protein due to nonsense mediated decay, which are commonly known mechanisms for disease. These predictions were confirmed by Khan et al (2006) who showed severely reduced level of mRNA and lack of protein expression in in vitro assay. This variant was found in 1/108904 control chromosomes at a frequency of 0.0000092, which does not exceed the estimated maximal expected allele frequency of a pathogenic XPC variant (0.0014142). This variant has been reported in at least two unrelated patients with Xeroderma Pigmentosum (Khan_2006, Kuschal_2013). In addition, truncation variants downstream of this position, such as c.2152C>T (p.R718*), c.2262delC (p.Asn754Lysfs) and c.2251-1G>C have been classified as "Pathogenic" by reputable databases/diagnostic laboratories . Taken together, this variant is classified as Pathogenic.

Counsyl
Classification: Likely pathogenic for Xeroderma pigmentosum, group C. Last evaluated: 2017-04-18. Review status: no assertion criteria provided. Collection method: clinical testing. Allele origin: unknown. Not counted in ClinVar's aggregate classification.

Literature cited by the submitters: PubMed 23173980 (cited by Labcorp Genetics (formerly Invitae), Labcorp); PubMed 25256075 (cited by Labcorp Genetics (formerly Invitae), Labcorp); PubMed 16081512 (cited by 3 submitters); PubMed 17079196 (cited by Women's Health and Genetics/Laboratory Corporation of America, LabCorp); PubMed 24218596 (cited by Women's Health and Genetics/Laboratory Corporation of America, LabCorp and Counsyl).